The following is an entry in ClinVar:

ClinVar aggregate classification (germline): Benign/Likely benign (0 of 4 stars; one submission).

Submission:

ISCA site 4
Classification: Benign/Likely benign. Last evaluated: 2012-09-21. Review status: no assertion criteria provided. Collection method: clinical testing. Allele origin: unknown. Affected: yes. Observed: 38 variant alleles. Clinical features observed: Hearing impairment (HP:0000365), Developmental delay AND/OR other significant developmental or morphological phenotypes, Global developmental delay (HP:0001263), Autism (HP:0000717), Abnormality of the nervous system (HP:0000707), Intellectual disability (HP:0001249), Hydronephrosis (HP:0000126), Abnormality of the mandible (HP:0000277), Cerebral palsy (HP:0100021), Seizure (HP:0001250), Abnormality of the breast (HP:0000769), Hypertonia (HP:0001276), and 19 more.
Comment: Likely benign (1), Benign (37)

Copy number variation identified through the course of routine clinical cytogenomic testing in postnatal populations, with clinical assertions as classified by the original submitter.

GRCh38/hg38 5q13.2(chr5:69942862-71291192)x1

Genes: GTF2H2 (general transcription factor IIH subunit 2; minus strand), NAIP (NLR family apoptosis inhibitory protein), SERF1A (small EDRK-rich factor 1A), SERF1B (small EDRK-rich factor 1B), SMN-AS1 (survival motor neuron- antisense 1) and 5 more. Cytogenetic location: 5q13.2.
Variant type: copy number loss.
Change: copy number 1 (one copy instead of two) of chr5:69,942,862-71,291,192 (1.35 Mb, GRCh38 coordinates, 1-based), cytogenetic band 5q13.2.
Identifiers: ClinVar variation 145327 (VCV000145327.2).